The following is an entry in ClinVar:

NC_000022.10:g.(?_18900688)_(18904521_?)dup

Gene: PRODH (proline dehydrogenase 1; minus strand). Cytogenetic location: 22q11.21.
Variant type: Duplication.
Identifiers: ClinVar variation 2426292 (VCV002426292.3).

ClinVar aggregate classification (germline): Uncertain significance (1 of 4 stars; one submission).

Conditions:
Proline dehydrogenase deficiency (HYRPRO1). Also called: Hyperprolinemia type 1; PROLINE OXIDASE DEFICIENCY. Identifiers: Orphanet 419, MedGen C0268529, MONDO:0009400, OMIM 239500.

Submission:

Labcorp Genetics (formerly Invitae), Labcorp
Classification: Uncertain significance for Proline dehydrogenase deficiency. Last evaluated: 2022-08-08. Review status: criteria provided, single submitter. Criteria: Invitae Variant Classification Sherloc (09022015). Collection method: clinical testing. Allele origin: germline.
Comment: In summary, the available evidence is currently insufficient to determine the role of this variant in disease. Therefore, it has been classified as a Variant of Uncertain Significance. Experimental studies and prediction algorithms are not available or were not evaluated, and the functional significance of this variant is currently unknown. This variant has not been reported in the literature in individuals affected with PRODH-related conditions. This variant results in a copy number gain of the genomic region encompassing exon(s) 13-15 of the PRODH gene. This region includes the termination codon of the gene. This copy number gain extends beyond the assayed region for this gene and therefore may encompass additional genes. As the precise location of this event is unknown, it may be in tandem or it may be located elsewhere in the genome.